The following is an entry in ClinVar:

NM_000143.4(FH):c.1105C>T (p.Pro369Ser)

Gene: FH (fumarate hydratase; minus strand). Cytogenetic location: 1q43.
Variant type: single nucleotide variant.
Coding change: c.1105C>T on transcript NM_000143.4 (MANE Select); coding-DNA position 1105, C replaced by T.
Protein change: p.Pro369Ser; replaces proline 369 with serine.
Molecular consequence: missense variant.
Genome position (GRCh38, 1-based): chr1:241,504,045, G>A on the plus strand (C>T on the coding strand, the complement: FH is on the minus strand). VCF-style: chr1-241504045-G-A. GRCh37 (hg19) VCF-style: chr1-241667345-G-A.
Other names: short protein forms P369S.
Identifiers: ClinVar variation 2203012 (VCV002203012.9), dbSNP rs2147916020, ClinGen allele CA345437880.

ClinVar aggregate classification (germline): Conflicting classifications of pathogenicity. Review status: criteria provided, conflicting classifications (1 of 4 stars). 3 submissions from 3 submitters: Pathogenic (1); Likely pathogenic (1); Uncertain significance (1). Last evaluated 2026-02-19.

Conditions:
Hereditary cancer-predisposing syndrome. Also called: Hereditary neoplastic syndrome; Neoplastic Syndromes, Hereditary; Tumor predisposition; Hereditary Cancer Syndrome. Identifiers: Orphanet 140162, MedGen C0027672, MeSH D009386, MONDO:0015356.

Submissions (4):

Ambry Genetics
Classification: Uncertain significance for Hereditary cancer-predisposing syndrome. Last evaluated: 2026-02-19. Review status: criteria provided, single submitter. Criteria: Ambry Variant Classification Scheme 2023. Collection method: clinical testing. Allele origin: germline.
Comment: The p.P369S variant (also known as c.1105C>T), located in coding exon 7 of the FH gene, results from a C to T substitution at nucleotide position 1105. The proline at codon 369 is replaced by serine, an amino acid with similar properties. This variant has been confirmed in trans with another variant of uncertain significance in FH (c.1158_1160delAGT) in an individual diagnosed with FH deficiency (Maradin M et al. J Inherit Metab Dis, 2006 Oct;29:683). In addition, patient fibroblasts with these two variants in compound heterozygosity were reported to demonstrate impaired FH protein expression and localization (Raimundo N et al. Biochim Biophys Acta, 2008 May;1782:287-94). This amino acid position is highly conserved in available vertebrate species. In addition, this alteration is predicted to be deleterious by in silico analysis. Since supporting evidence is limited at this time, the clinical significance of this alteration remains unclear.

Labcorp Genetics (formerly Invitae), Labcorp
Classification: Pathogenic. Last evaluated: 2025-03-24. Review status: criteria provided, single submitter. Criteria: Invitae Variant Classification Sherloc (09022015). Collection method: clinical testing. Allele origin: germline.
Comment: This sequence change replaces proline, which is neutral and non-polar, with serine, which is neutral and polar, at codon 369 of the FH protein (p.Pro369Ser). This variant is not present in population databases (gnomAD no frequency). This missense change has been observed in individual(s) with fumarase deficiency (PMID: 16972175). In at least one individual the data is consistent with being in trans (on the opposite chromosome) from a pathogenic variant. This variant is also known as c.976C>T p.Pro326Ser. ClinVar contains an entry for this variant (Variation ID: 2203012). Invitae Evidence Modeling of protein sequence and biophysical properties (such as structural, functional, and spatial information, amino acid conservation, physicochemical variation, residue mobility, and thermodynamic stability) indicates that this missense variant is expected to disrupt FH protein function with a positive predictive value of 95%. For these reasons, this variant has been classified as Pathogenic.

GeneDx
Classification: Likely pathogenic. Last evaluated: 2023-10-19. Review status: criteria provided, single submitter. Criteria: GeneDx Variant Classification Process June 2021. Collection method: clinical testing. Allele origin: germline. Affected: yes.
Comment: In silico analysis supports that this missense variant has a deleterious effect on protein structure/function; Not observed at significant frequency in large population cohorts (gnomAD); Also known as c.976C>T; This variant is associated with the following publications: (PMID: 18313410, 21445611, 19151755, 20549362, 33052056, 16972175)

Dr. Peter K. Rogan Lab, Western University
No classification provided (evidence only). Condition: Colon adenocarcinoma. Review status: no classification provided. Collection method: in vitro. Allele origin: not applicable. Functional consequence: retained intron. Not counted in ClinVar's aggregate classification.

Literature cited by the submitters: PubMed 16972175 (cited by Ambry Genetics and Labcorp Genetics (formerly Invitae), Labcorp); PubMed 18313410 (cited by Ambry Genetics); PubMed 19151755 (cited by Ambry Genetics); PubMed 20549362 (cited by Ambry Genetics); PubMed 21445611 (cited by Ambry Genetics).